The following is an entry in ClinVar:

ClinVar aggregate classification (germline): Uncertain significance (1 of 4 stars; one submission).

Conditions:
Leukocyte adhesion deficiency 1 (LAD1). Also called: LEUKOCYTE ADHESION DEFICIENCY, TYPE I; LAD 1; Lymphocyte function-associated antigen 1 immunodeficiency; LFA 1 immunodeficiency. Identifiers: Orphanet 2968, Orphanet 99842, MedGen C0398738, MONDO:0007293, OMIM 116920.

Allele frequency attached by ClinVar (database versions not stated): gnomAD exomes below 0.00001; TOPMed below 0.00001.
gnomAD v4.1: 1 of 1,604,020 alleles (0.000062%); highest among the groups gnomAD compares: Non-Finnish European, 0.000085%; no homozygotes.

Submission:

Labcorp Genetics (formerly Invitae), Labcorp
Classification: Uncertain significance for Leukocyte adhesion deficiency 1. Last evaluated: 2018-11-30. Review status: criteria provided, single submitter. Criteria: Invitae Variant Classification Sherloc (09022015). Collection method: clinical testing. Allele origin: germline.
Comment: In summary, the available evidence is currently insufficient to determine the role of this variant in disease. Therefore, it has been classified as a Variant of Uncertain Significance. Algorithms developed to predict the effect of missense changes on protein structure and function are either unavailable or do not agree on the potential impact of this missense change (SIFT: "Tolerated"; PolyPhen-2: "Benign"; Align-GVGD: "Class C0"). This variant has not been reported in the literature in individuals with ITGB2-related conditions. This variant is not present in population databases (ExAC no frequency). This sequence change replaces serine with alanine at codon 571 of the ITGB2 protein (p.Ser571Ala). The serine residue is highly conserved and there is a moderate physicochemical difference between serine and alanine.

NM_000211.5(ITGB2):c.1711T>G (p.Ser571Ala)

Gene: ITGB2 (integrin subunit beta 2; minus strand). Cytogenetic location: 21q22.3.
Variant type: single nucleotide variant.
Coding change: c.1711T>G on transcript NM_000211.5 (MANE Select); coding-DNA position 1711, T replaced by G.
Protein change: p.Ser571Ala; replaces serine 571 with alanine.
Molecular consequence: missense variant.
Genome position (GRCh38, 1-based): chr21:44,889,442, A>C on the plus strand (T>G on the coding strand, the complement: ITGB2 is on the minus strand). VCF-style: chr21-44889442-A-C. GRCh37 (hg19) VCF-style: chr21-46309357-A-C.
Other names: c.1711T>G, p.Ser571Ala (NM_001127491.3); c.1504T>G, p.Ser502Ala (NM_001303238.2); short protein forms S502A, S571A.
Identifiers: ClinVar variation 648958 (VCV000648958.9), dbSNP rs1006758335, ClinGen allele CA321893883.